The following is an entry in ClinVar:

NM_000092.5(COL4A4):c.2189del (p.Pro730fs)

Gene: COL4A4 (collagen type IV alpha 4 chain; minus strand). Cytogenetic location: 2q36.3.
Variant type: Deletion.
Coding change: c.2189del on transcript NM_000092.5 (MANE Select); coding-DNA position 2189, one base deleted (C; older notation c.2189delC).
Protein change: p.Pro730fs; shifts the reading frame from proline 730.
Molecular consequence: frameshift variant.
Genome position (GRCh38, 1-based): chr2:227,059,599, G deleted on the plus strand (C on the coding strand, the reverse complement: COL4A4 is on the minus strand); the first of 2 consecutive G bases (chr2:227,059,599-227,059,600); deleting either gives the same sequence. VCF-style (leftmost placement, unchanged base first): chr2-227059598-CG-C. GRCh37 (hg19) VCF-style: chr2-227924314-CG-C.
Other names: short protein forms P730fs.
Identifiers: ClinVar variation 3679750 (VCV003679750.2).
Genomic context (GRCh38, chr2:227,059,598, plus strand): 5'-TGGTGAGCCGGGAGGGCCTGGGGGCCCAACAGGGGAGGACCCCTTTTCACCTCCAAAACC[CG>C]GATCTCCCATGTCACCACGAAAACCTATTTAACAACAAAAAAAAATTTTTAATGATAACA-3'

ClinVar aggregate classification (germline): Pathogenic (1 of 4 stars; one submission).

Submission:

Labcorp Genetics (formerly Invitae), Labcorp
Classification: Pathogenic. Last evaluated: 2024-04-03. Review status: criteria provided, single submitter. Criteria: Invitae Variant Classification Sherloc (09022015). Collection method: clinical testing. Allele origin: germline.
Comment: This sequence change creates a premature translational stop signal (p.Pro730Argfs*23) in the COL4A4 gene. It is expected to result in an absent or disrupted protein product. Loss-of-function variants in COL4A4 are known to be pathogenic (PMID: 21196518, 24854265, 25307543). This variant is not present in population databases (gnomAD no frequency). This variant has not been reported in the literature in individuals affected with COL4A4-related conditions. For these reasons, this variant has been classified as Pathogenic.

Literature cited by the submitters: PubMed 21196518; PubMed 24854265; PubMed 25307543.